The following is an entry in ClinVar:

ClinVar aggregate classification (germline): Benign. Review status: criteria provided, multiple submitters, no conflicts (2 of 4 stars). 4 submissions from 4 submitters: Benign (3). 1 of the submissions does not count toward it. Last evaluated 2025-12-16.

Conditions:
GLYCTK-related disorder. Also called: GLYCTK-related condition.

Allele frequency attached by ClinVar (database versions not stated): gnomAD exomes 0.00096; ExAC 0.00120; 1000 Genomes Project 30x 0.00234; 1000 Genomes Project 0.00240; gnomAD 0.00381 and 0.00418; TOPMed 0.00461; ESP Exome Variant Server 0.00523.

Submissions (4):

Labcorp Genetics (formerly Invitae), Labcorp
Classification: Benign. Last evaluated: 2025-12-16. Review status: criteria provided, single submitter. Criteria: Invitae Variant Classification Sherloc (09022015). Collection method: clinical testing. Allele origin: germline.

CeGaT Center for Human Genetics Tuebingen
Classification: Benign. Last evaluated: 2023-05-01. Review status: criteria provided, single submitter. Criteria: CeGaT Center For Human Genetics Tuebingen Variant Classification Criteria Version 2. Collection method: clinical testing. Allele origin: germline. Affected: yes. Observed: 1 variant allele.
Comment: GLYCTK: BP4, BP7, BS1, BS2

Breakthrough Genomics
Classification: Benign. Review status: criteria provided, single submitter. Criteria: ACMG Guidelines, 2015. Collection method: not provided. Allele origin: germline. Inheritance: Autosomal recessive inheritance. Affected: yes.

PreventionGenetics, part of Exact Sciences
Classification: Benign for GLYCTK-related condition. Last evaluated: 2019-08-10. Review status: no assertion criteria provided. Collection method: clinical testing. Allele origin: germline. Not counted in ClinVar's aggregate classification.
Comment: This variant is classified as benign based on ACMG/AMP sequence variant interpretation guidelines (Richards et al. 2015 PMID: 25741868, with internal and published modifications).

NM_145262.4(GLYCTK):c.1251G>A (p.Ser417=)

Gene: GLYCTK (glycerate kinase; plus strand). Cytogenetic location: 3p21.2.
Variant type: single nucleotide variant.
Coding change: c.1251G>A on transcript NM_145262.4 (MANE Select); coding-DNA position 1251, G replaced by A.
Protein change: p.Ser417=; no amino-acid change (serine 417 retained).
Molecular consequence: synonymous variant. On other transcripts: 3 prime UTR variant (1), non-coding transcript variant (2).
Genome position (GRCh38, 1-based): chr3:52,292,805, G>A. VCF-style: chr3-52292805-G-A. GRCh37 (hg19) VCF-style: chr3-52326821-G-A.
Other names: c.*370G>A (NM_001144951.2).
Identifiers: ClinVar variation 718510 (VCV000718510.34), dbSNP rs145182754, ClinGen allele CA2432278.